The following is an entry in ClinVar:

ClinVar aggregate classification (germline): Conflicting classifications of pathogenicity. Review status: criteria provided, conflicting classifications (1 of 4 stars). 2 submissions from 2 submitters: Uncertain significance (1); Benign (1). Last evaluated 2026-01-21.

Conditions:
Cardiovascular phenotype. Identifiers: MedGen CN230736.
Andersen Tawil syndrome (LQT7). Also called: Andersen Syndrome; PERIODIC PARALYSIS, POTASSIUM-SENSITIVE CARDIODYSRHYTHMIC TYPE; LONG QT SYNDROME 7; ANDERSEN CARDIODYSRHYTHMIC PERIODIC PARALYSIS; Potassium-sensitive periodic paralysis, ventricular ectopy, and dysmorphic features. Identifiers: Orphanet 37553, MedGen C1563715, MONDO:0008222, OMIM 170390.
Short QT syndrome type 3. Identifiers: Orphanet 51083, MedGen C1865018, MONDO:0012314, OMIM 609622.

Allele frequency attached by ClinVar (database versions not stated): gnomAD 0.00002; gnomAD exomes 0.00002 and 0.00003; TOPMed 0.00002; ExAC 0.00004.

Submissions (2):

Labcorp Genetics (formerly Invitae), Labcorp
Classification: Uncertain significance for Short QT syndrome type 3; Andersen Tawil syndrome. Last evaluated: 2026-01-21. Review status: criteria provided, single submitter. Criteria: Invitae Variant Classification Sherloc (09022015). Collection method: clinical testing. Allele origin: germline.
Comment: This sequence change replaces cysteine, which is neutral and slightly polar, with tyrosine, which is neutral and polar, at codon 43 of the KCNJ2 protein (p.Cys43Tyr). This variant is present in population databases (rs774424161, gnomAD 0.02%). This variant has not been reported in the literature in individuals affected with KCNJ2-related conditions. ClinVar contains an entry for this variant (Variation ID: 1054264). Invitae Evidence Modeling of protein sequence and biophysical properties (such as structural, functional, and spatial information, amino acid conservation, physicochemical variation, residue mobility, and thermodynamic stability) indicates that this missense variant is not expected to disrupt KCNJ2 protein function with a negative predictive value of 95%. In summary, the available evidence is currently insufficient to determine the role of this variant in disease. Therefore, it has been classified as a Variant of Uncertain Significance.

Ambry Genetics
Classification: Benign for Cardiovascular phenotype. Last evaluated: 2022-09-01. Review status: criteria provided, single submitter. Criteria: Ambry Variant Classification Scheme 2023. Collection method: clinical testing. Allele origin: germline.

Literature cited by the submitters: PubMed 28798025 (cited by Ambry Genetics).

NM_000891.3(KCNJ2):c.128G>A (p.Cys43Tyr)

Gene: KCNJ2 (potassium inwardly rectifying channel subfamily J member 2; plus strand). Cytogenetic location: 17q24.3.
Variant type: single nucleotide variant.
Coding change: c.128G>A on transcript NM_000891.3 (MANE Select); coding-DNA position 128, G replaced by A.
Protein change: p.Cys43Tyr; replaces cysteine 43 with tyrosine.
Molecular consequence: missense variant.
Genome position (GRCh38, 1-based): chr17:70,175,167, G>A. VCF-style: chr17-70175167-G-A. GRCh37 (hg19) VCF-style: chr17-68171308-G-A.
Other names: short protein forms C43Y.
Identifiers: ClinVar variation 1054264 (VCV001054264.11), dbSNP rs774424161, ClinGen allele CA8738693.